The following is an entry in ClinVar:

NM_002641.4(PIGA):c.1223C>T (p.Pro408Leu)

Gene: PIGA (phosphatidylinositol glycan anchor biosynthesis class A; minus strand). Cytogenetic location: Xp22.2.
Variant type: single nucleotide variant.
Coding change: c.1223C>T on transcript NM_002641.4 (MANE Select); coding-DNA position 1223, C replaced by T.
Protein change: p.Pro408Leu; replaces proline 408 with leucine.
Molecular consequence: missense variant. On other transcripts: non-coding transcript variant (2).
Genome position (GRCh38, 1-based): chrX:15,321,738, G>A on the plus strand (C>T on the coding strand, the complement: PIGA is on the minus strand). VCF-style: chrX-15321738-G-A. GRCh37 (hg19) VCF-style: chrX-15339860-G-A.
Other names: c.521C>T, p.Pro174Leu (NM_020473.3); short protein forms P174L, P408L.
Identifiers: ClinVar variation 2252005 (VCV002252005.3), dbSNP rs914087630, ClinGen allele CA326944303.

ClinVar aggregate classification (germline): Uncertain significance. Review status: criteria provided, multiple submitters, no conflicts (2 of 4 stars). 2 submissions from 2 submitters: Uncertain significance (2). Last evaluated 2026-04-18.

Conditions:
Inborn genetic diseases. Identifiers: MedGen C0950123, MeSH D030342.

Allele frequency attached by ClinVar (database versions not stated): TOPMed 0.00001.

Submissions (2):

GeneDx
Classification: Uncertain significance. Last evaluated: 2026-04-18. Review status: criteria provided, single submitter. Criteria: GeneDx Variant Classification Process June 2021. Collection method: clinical testing. Allele origin: germline.
Comment: Not observed at significant frequency in large population cohorts (gnomAD); In silico analysis supports that this missense variant has a deleterious effect on protein structure/function; Has not been previously published as pathogenic or benign to our knowledge

Ambry Genetics
Classification: Uncertain significance for Inborn genetic diseases. Last evaluated: 2021-09-17. Review status: criteria provided, single submitter. Criteria: Ambry Variant Classification Scheme 2023. Collection method: clinical testing. Allele origin: germline.